The following is an entry in ClinVar:

NM_016239.4(MYO15A):c.4015C>T (p.Arg1339Trp)

Gene: MYO15A (myosin XVA; plus strand). Cytogenetic location: 17p11.2.
Variant type: single nucleotide variant.
Coding change: c.4015C>T on transcript NM_016239.4 (MANE Select); coding-DNA position 4015, C replaced by T.
Protein change: p.Arg1339Trp; replaces arginine 1339 with tryptophan.
Molecular consequence: missense variant.
Genome position (GRCh38, 1-based): chr17:18,127,148, C>T. VCF-style: chr17-18127148-C-T. GRCh37 (hg19) VCF-style: chr17-18030462-C-T.
Other names: c.4015C>T (NM_016239.3); short protein forms R1339W.
Identifiers: ClinVar variation 929900 (VCV000929900.6), dbSNP rs374336846, ClinGen allele CA8423688.

ClinVar aggregate classification (germline): Uncertain significance. Review status: criteria provided, multiple submitters, no conflicts (2 of 4 stars). 3 submissions from 3 submitters: Uncertain significance (3). Last evaluated 2024-01-30.

Conditions:
Inborn genetic diseases. Identifiers: MedGen C0950123, MeSH D030342.

Allele frequency attached by ClinVar (database versions not stated): gnomAD exomes 0.00001 and 0.00002; ExAC 0.00002; gnomAD 0.00002; TOPMed 0.00003; ESP Exome Variant Server 0.00008.
gnomAD v4.1: 21 of 1,613,938 alleles (0.0013%); highest among the groups gnomAD compares: South Asian, 0.0066%; no homozygotes.

Submissions (3):

Ambry Genetics
Classification: Uncertain significance for Inborn genetic diseases. Last evaluated: 2024-01-30. Review status: criteria provided, single submitter. Criteria: Ambry Variant Classification Scheme 2023. Collection method: clinical testing. Allele origin: germline.

Labcorp Genetics (formerly Invitae), Labcorp
Classification: Uncertain significance. Last evaluated: 2022-04-20. Review status: criteria provided, single submitter. Criteria: Invitae Variant Classification Sherloc (09022015). Collection method: clinical testing. Allele origin: germline.
Comment: This sequence change replaces arginine, which is basic and polar, with tryptophan, which is neutral and slightly polar, at codon 1339 of the MYO15A protein (p.Arg1339Trp). This variant is present in population databases (rs374336846, gnomAD 0.006%). This variant has not been reported in the literature in individuals affected with MYO15A-related conditions. ClinVar contains an entry for this variant (Variation ID: 929900). Advanced modeling of protein sequence and biophysical properties (such as structural, functional, and spatial information, amino acid conservation, physicochemical variation, residue mobility, and thermodynamic stability) performed at Invitae indicates that this missense variant is not expected to disrupt MYO15A protein function. In summary, the available evidence is currently insufficient to determine the role of this variant in disease. Therefore, it has been classified as a Variant of Uncertain Significance.

Laboratory for Molecular Medicine, Mass General Brigham Personalized Medicine
Classification: Uncertain significance. Last evaluated: 2019-09-18. Review status: criteria provided, single submitter. Criteria: LMM Criteria. Collection method: clinical testing. Allele origin: germline. Observed: 1 variant allele.
Comment: The p.Arg1339Trp variant in MYO15A has not been previously reported in individuals with hearing loss but has been identified in 0.006% (2/30602) of South Asian chromosomes by gnomAD. Computational prediction tools and conservation analyses do not provide strong support for or against an impact to the protein. In summary, the clinical significance of this variant is uncertain. ACMG/AMP Criteria applied: PM2.